The following is an entry in ClinVar:

NM_000138.5(FBN1):c.1760G>A (p.Cys587Tyr)

Gene: FBN1 (fibrillin 1; minus strand). Cytogenetic location: 15q21.1.
Variant type: single nucleotide variant.
Coding change: c.1760G>A on transcript NM_000138.5 (MANE Select); coding-DNA position 1760, G replaced by A.
Protein change: p.Cys587Tyr; replaces cysteine 587 with tyrosine.
Molecular consequence: missense variant.
Genome position (GRCh38, 1-based): chr15:48,508,659, C>T on the plus strand (G>A on the coding strand, the complement: FBN1 is on the minus strand). VCF-style: chr15-48508659-C-T. GRCh37 (hg19) VCF-style: chr15-48800856-C-T.
Other names: short protein forms C587Y.
Identifiers: ClinVar variation 549040 (VCV000549040.4), dbSNP rs1555399963, ClinGen allele CA392340475.

ClinVar aggregate classification (germline): Pathogenic. Review status: criteria provided, single submitter (1 of 4 stars). 2 submissions from 2 submitters: Pathogenic (1). 1 of the submissions does not count toward it. Last evaluated 2025-07-23.

Conditions:
Cardiovascular phenotype. Identifiers: MedGen CN230736.
Marfan syndrome (MFS). Also called: Marfan syndrome type 1; Marfan syndrome, classic; Marfan's syndrome; FBN1-Related Marfan Syndrome; MARFAN SYNDROME, TYPE I. Identifiers: Orphanet 284963, Orphanet 558, MedGen C0024796, MONDO:0007947, OMIM 154700.

Submissions (2):

Molecular Diagnostic Laboratory for Inherited Cardiovascular Disease, Montreal Heart Institute
Classification: Pathogenic for Cardiovascular phenotype. Last evaluated: 2025-07-23. Review status: criteria provided, single submitter. Criteria: ACMG Guidelines, 2015. Collection method: clinical testing. Allele origin: germline. Affected: yes.
Comment: PM1_strong, PM2, PM5, PM6, PS4_supp, PP2, PP3, PP4

Center for Medical Genetics Ghent, University of Ghent
Classification: Pathogenic for Marfan syndrome. Last evaluated: 2017-11-07. Review status: no assertion criteria provided. Collection method: clinical testing. Allele origin: germline. Affected: yes. Not counted in ClinVar's aggregate classification.